The following is an entry in ClinVar:

ClinVar aggregate classification (germline): Conflicting classifications of pathogenicity. Review status: criteria provided, conflicting classifications (1 of 4 stars). 2 submissions from 2 submitters: Uncertain significance (1); Likely benign (1). Last evaluated 2024-09-14.

Conditions:
Intellectual developmental disorder, X-linked 1. Also called: Intellectual disability, X-linked 1; MENTAL RETARDATION, X-LINKED 18; MENTAL RETARDATION, X-LINKED 78; Atkin Flaitz Patil Smith syndrome. Identifiers: Orphanet 777, MedGen C2931498, MONDO:0010656, OMIM 309530.

Allele frequency attached by ClinVar (database versions not stated): TOPMed 0.00001; ExAC 0.00002; gnomAD exomes 0.00002 and 0.00001; gnomAD 0.00001.
gnomAD v4.1: 11 of 1,210,135 alleles (0.00091%); highest among the groups gnomAD compares: Middle Eastern, 0.023%; no homozygotes.

Submissions (2):

Labcorp Genetics (formerly Invitae), Labcorp
Classification: Likely benign for Intellectual developmental disorder, X-linked 1. Last evaluated: 2024-09-14. Review status: criteria provided, single submitter. Criteria: Invitae Variant Classification Sherloc (09022015). Collection method: clinical testing. Allele origin: germline.

GeneDx
Classification: Uncertain significance. Last evaluated: 2021-05-17. Review status: criteria provided, single submitter. Criteria: GeneDx Variant Classification Process June 2021. Collection method: clinical testing. Allele origin: germline. Affected: yes.
Comment: Has not been previously published as pathogenic or benign to our knowledge; In silico analysis, which includes splice predictors and evolutionary conservation, suggests this variant may impact gene splicing. In the absence of RNA/functional studies, the actual effect of this sequence change is unknown.

NM_001111125.3(IQSEC2):c.2064C>T (p.Gly688=)

Gene: IQSEC2 (IQ motif and Sec7 domain ArfGEF 2; minus strand). Cytogenetic location: Xp11.22.
Variant type: single nucleotide variant.
Coding change: c.2064C>T on transcript NM_001111125.3 (MANE Select); coding-DNA position 2064, C replaced by T.
Protein change: p.Gly688=; no amino-acid change (glycine 688 retained).
Molecular consequence: synonymous variant.
Genome position (GRCh38, 1-based): chrX:53,250,512, G>A on the plus strand (C>T on the coding strand, the complement: IQSEC2 is on the minus strand). VCF-style: chrX-53250512-G-A. GRCh37 (hg19) VCF-style: chrX-53279694-G-A.
Other names: c.1449C>T, p.Gly483= (NM_015075.2).
Identifiers: ClinVar variation 1196046 (VCV001196046.5), dbSNP rs782766118, ClinGen allele CA10419980.